The following is an entry in ClinVar:

ClinVar aggregate classification (germline): Benign/Likely benign. Review status: criteria provided, multiple submitters, no conflicts (2 of 4 stars). 2 submissions from 2 submitters: Benign (1); Likely benign (1). Last evaluated 2025-04-01.

gnomAD v4.1: 83 of 1,537,404 alleles (0.0054%); highest among the groups gnomAD compares: South Asian, 0.094%; 2 homozygotes.

Submissions (2):

CeGaT Center for Human Genetics Tuebingen
Classification: Likely benign. Last evaluated: 2025-04-01. Review status: criteria provided, single submitter. Criteria: CeGaT Center For Human Genetics Tuebingen Variant Classification Criteria Version 2. Collection method: clinical testing. Allele origin: germline. Affected: yes. Observed: 1 variant allele.
Comment: PIEZO2: BP4, BP7

Labcorp Genetics (formerly Invitae), Labcorp
Classification: Benign. Last evaluated: 2024-08-28. Review status: criteria provided, single submitter. Criteria: Invitae Variant Classification Sherloc (09022015). Collection method: clinical testing. Allele origin: germline.

NM_001378183.1(PIEZO2):c.3534C>G (p.Val1178=)

Gene: PIEZO2 (piezo type mechanosensitive ion channel component 2; minus strand). Cytogenetic location: 18p11.22.
Variant type: single nucleotide variant.
Coding change: c.3534C>G on transcript NM_001378183.1 (MANE Select); coding-DNA position 3534, C replaced by G.
Protein change: p.Val1178=; no amino-acid change (valine 1178 retained).
Molecular consequence: synonymous variant.
Genome position (GRCh38, 1-based): chr18:10,759,826, G>C on the plus strand (C>G on the coding strand, the complement: PIEZO2 is on the minus strand). VCF-style: chr18-10759826-G-C. GRCh37 (hg19) VCF-style: chr18-10759824-G-C.
Other names: c.3534C>G, p.Val1178= (NM_001410871.1); c.3459C>G, p.Val1153= (NM_022068.4).
Identifiers: ClinVar variation 3716040 (VCV003716040.9).